The following is an entry in ClinVar:

ClinVar aggregate classification (germline): Likely pathogenic (1 of 4 stars; one submission).

Conditions:
Joubert syndrome. Also called: JOUBERT-BOLTSHAUSER SYNDROME; Familial aplasia of the vermis. Identifiers: Orphanet 475, MedGen C5979921, MONDO:0018772.
Meckel-Gruber syndrome. Also called: DYSENCEPHALIA SPLANCHNOCYSTICA; GRUBER SYNDROME; Dysencephalia splachnocystica. Identifiers: Orphanet 564, MedGen C0265215, MONDO:0018921.

gnomAD v4.1: 1 of 1,606,188 alleles (0.000062%); highest among the groups gnomAD compares: Non-Finnish European, 0.000085%; no homozygotes.

Submission:

Labcorp Genetics (formerly Invitae), Labcorp
Classification: Likely pathogenic for Joubert syndrome; Meckel-Gruber syndrome. Last evaluated: 2025-12-02. Review status: criteria provided, single submitter. Criteria: Invitae Variant Classification Sherloc (09022015). Collection method: clinical testing. Allele origin: germline.
Comment: This sequence change replaces threonine, which is neutral and polar, with alanine, which is neutral and non-polar, at codon 1114 of the CC2D2A protein (p.Thr1114Ala). This variant is not present in population databases (gnomAD no frequency). This variant has not been reported in the literature in individuals affected with CC2D2A-related conditions. Invitae Evidence Modeling of protein sequence and biophysical properties (such as structural, functional, and spatial information, amino acid conservation, physicochemical variation, residue mobility, and thermodynamic stability) indicates that this missense variant is expected to disrupt CC2D2A protein function with a positive predictive value of 95%. This variant disrupts the p.Thr1114Met amino acid residue in CC2D2A. Other variant(s) that disrupt this residue have been determined to be pathogenic (PMID: 19466712, 19777577, 26092869). This suggests that this residue is clinically significant, and that variants that disrupt this residue are likely to be disease-causing. In summary, the currently available evidence indicates that the variant is pathogenic, but additional data are needed to prove that conclusively. Therefore, this variant has been classified as Likely Pathogenic.

Literature cited by the submitters: PubMed 19466712; PubMed 19777577; PubMed 26092869.

NM_001378615.1(CC2D2A):c.3340A>G (p.Thr1114Ala)

Genes: CC2D2A (coiled-coil and C2 domain containing 2A; plus strand), FBXL5 (F-box and leucine rich repeat protein 5; minus strand). Cytogenetic location: 4p15.32.
Variant type: single nucleotide variant.
Coding change: c.3340A>G on transcript NM_001378615.1 (MANE Select); coding-DNA position 3340, A replaced by G.
Protein change: p.Thr1114Ala; replaces threonine 1114 with alanine.
Molecular consequence: missense variant.
Genome position (GRCh38, 1-based): chr4:15,567,728, A>G. VCF-style: chr4-15567728-A-G. GRCh37 (hg19) VCF-style: chr4-15569351-A-G.
Other names: c.3340A>G, p.Thr1114Ala (NM_001080522.2); c.3193A>G, p.Thr1065Ala (NM_001378617.1); short protein forms T1065A, T1114A.
Identifiers: ClinVar variation 4789745 (VCV004789745.1).